The following is an entry in ClinVar:

ClinVar aggregate classification (germline): Uncertain significance (1 of 4 stars; one submission).

Submission:

Labcorp Genetics (formerly Invitae), Labcorp
Classification: Uncertain significance. Last evaluated: 2024-01-24. Review status: criteria provided, single submitter. Criteria: Invitae Variant Classification Sherloc (09022015). Collection method: clinical testing. Allele origin: germline.
Comment: This sequence change replaces glycine, which is neutral and non-polar, with serine, which is neutral and polar, at codon 42 of the KCNQ5 protein (p.Gly42Ser). Information on the frequency of this variant in the gnomAD database is not available, as this variant may be reported differently in the database. This variant has not been reported in the literature in individuals affected with KCNQ5-related conditions. Experimental studies and prediction algorithms are not available or were not evaluated, and the functional significance of this variant is currently unknown. In summary, the available evidence is currently insufficient to determine the role of this variant in disease. Therefore, it has been classified as a Variant of Uncertain Significance.

NM_019842.4(KCNQ5):c.123_124delinsGA (p.Gly42Ser)

Genes: KCNQ5 (potassium voltage-gated channel subfamily Q member 5; plus strand), KCNQ5-DT (KCNQ5 divergent transcript; minus strand), LOC129996711 (ATAC-STARR-seq lymphoblastoid silent region 17329; plus strand). Cytogenetic location: 6q13.
Variant type: Indel.
Coding change: c.123_124delinsGA on transcript NM_019842.4 (MANE Select); coding-DNA positions 123 to 124, CG replaced by GA.
Protein change: p.Gly42Ser; replaces glycine 42 with serine.
Molecular consequence: missense variant.
Genome position (GRCh38, 1-based): chr6:72,622,312-72,622,313, CG replaced by GA. VCF-style: chr6-72622312-CG-GA. GRCh37 (hg19) VCF-style: chr6-73332040-CG-GA.
Other names: c.123_124delinsGA, p.Gly42Ser (NM_001160130.2, NM_001160132.2, NM_001160133.2 and 1 more transcripts); short protein forms G42S.
Identifiers: ClinVar variation 3022476 (VCV003022476.3), dbSNP rs2481566940, ClinGen allele CA2740091424.
Genomic context (GRCh38, chr6:72,622,312, plus strand): 5'-CGCAGCGGCGGCGGCGGCGGGCGGGGGGCGCTTGGGCAGCGGCATGAAGGATGTGGAGTC[CG>GA]GCCGGGGCAGGGTGCTGCTGAACTCGGCAGCCGCCAGGGGCGACGGCCTGCTACTGCTGG-3'
Protein context (NP_062816.2, residues 32-52): LGSGMKDVES[Gly42Ser]RGRVLLNSAA